The following is an entry in ClinVar:

ClinVar aggregate classification (germline): Pathogenic (1 of 4 stars; one submission).

Conditions:
Ehlers-Danlos syndrome, classic type, 1 (EDSCL1). Also called: EHLERS-DANLOS SYNDROME, GRAVIS TYPE; EHLERS-DANLOS SYNDROME, SEVERE CLASSIC TYPE; Ehlers-Danlos Syndrome, Classic Type, COL5A1-Related; EDS I; Ehlers-Danlos syndrome, type 1. Identifiers: MedGen C0268335, MONDO:0019567, OMIM 130000.

Submission:

Labcorp Genetics (formerly Invitae), Labcorp
Classification: Pathogenic for Ehlers-Danlos syndrome, classic type, 1. Last evaluated: 2024-01-15. Review status: criteria provided, single submitter. Criteria: Invitae Variant Classification Sherloc (09022015). Collection method: clinical testing. Allele origin: germline.
Comment: This sequence change creates a premature translational stop signal (p.Arg76Serfs*108) in the COL5A1 gene. It is expected to result in an absent or disrupted protein product. Loss-of-function variants in COL5A1 are known to be pathogenic (PMID: 23587214). This variant is not present in population databases (gnomAD no frequency). This variant has not been reported in the literature in individuals affected with COL5A1-related conditions. ClinVar contains an entry for this variant (Variation ID: 409087). For these reasons, this variant has been classified as Pathogenic.

Literature cited by the submitters: PubMed 23587214.

NM_000093.5(COL5A1):c.228_229del (p.Arg76fs)

Gene: COL5A1 (collagen type V alpha 1 chain; plus strand). Cytogenetic location: 9q34.3.
Variant type: Microsatellite.
Coding change: c.228_229del on transcript NM_000093.5 (MANE Select); coding-DNA positions 228 to 229, 2 bases deleted (AG; older notation c.228_229delAG).
Protein change: p.Arg76fs; shifts the reading frame from arginine 76.
Molecular consequence: frameshift variant.
Genome position (GRCh38, 1-based): chr9:134,691,030-134,691,031, AG deleted; deleting any 2 consecutive bases within chr9:134,691,028-134,691,031 gives the same sequence; the c. name uses the placement nearest the transcript's 3' end. VCF-style (leftmost placement, unchanged base first): chr9-134691027-CAG-C. GRCh37 (hg19) VCF-style: chr9-137582873-CAG-C.
Other names: c.228_229delAG (NM_000093.4); c.228_229del, p.Arg76fs (NM_001278074.1); short protein forms R76fs.
Identifiers: ClinVar variation 409087 (VCV000409087.8), dbSNP rs1060502242, ClinGen allele CA16612598.
Genomic context (GRCh38, chr9:134,691,027, plus strand): 5'-AACAAAGACAACAGGCTTTTGCGCCACGCGGCGATCTTCCAAAGGCCCGGATGTCGCTTA[CAG>C]AGTCACCAAAGACGCGCAGCTCAGCGCACCCACCAAGCAGCTGTACCCTGGTAAGTGCCG-3'